The following is an entry in ClinVar:

NM_000883.4(IMPDH1):c.1195A>G (p.Ile399Val)

Gene: IMPDH1 (inosine monophosphate dehydrogenase 1; minus strand). Cytogenetic location: 7q32.1.
Variant type: single nucleotide variant.
Coding change: c.1195A>G on transcript NM_000883.4 (MANE Select); coding-DNA position 1195, A replaced by G.
Protein change: p.Ile399Val; replaces isoleucine 399 with valine.
Molecular consequence: missense variant.
Genome position (GRCh38, 1-based): chr7:128,396,666, T>C on the plus strand (A>G on the coding strand, the complement: IMPDH1 is on the minus strand). VCF-style: chr7-128396666-T-C. GRCh37 (hg19) VCF-style: chr7-128036720-T-C.
Other names: c.1165A>G, p.Ile389Val (NM_001102605.2); c.940A>G, p.Ile314Val (NM_001142573.2); c.925A>G, p.Ile309Val (NM_001142574.2); c.865A>G, p.Ile289Val (NM_001142575.2); c.1096A>G, p.Ile366Val (NM_001142576.2); c.988A>G, p.Ile330Val (NM_001304521.2); c.1087A>G, p.Ile363Val (NM_183243.3); short protein forms I309V, I399V, I330V, I366V, I289V, I314V, I363V, I389V.
Identifiers: ClinVar variation 1995515 (VCV001995515.4), dbSNP rs2535740340, ClinGen allele CA369165414.

ClinVar aggregate classification (germline): Uncertain significance (1 of 4 stars; one submission).

Submission:

Labcorp Genetics (formerly Invitae), Labcorp
Classification: Uncertain significance. Last evaluated: 2022-10-04. Review status: criteria provided, single submitter. Criteria: Invitae Variant Classification Sherloc (09022015). Collection method: clinical testing. Allele origin: germline.
Comment: This sequence change replaces isoleucine, which is neutral and non-polar, with valine, which is neutral and non-polar, at codon 399 of the IMPDH1 protein (p.Ile399Val). This variant is not present in population databases (gnomAD no frequency). This variant has not been reported in the literature in individuals affected with IMPDH1-related conditions. Algorithms developed to predict the effect of missense changes on protein structure and function output the following: SIFT: "Deleterious"; PolyPhen-2: "Benign"; Align-GVGD: "Class C25". The valine amino acid residue is found in multiple mammalian species, which suggests that this missense change does not adversely affect protein function. In summary, the available evidence is currently insufficient to determine the role of this variant in disease. Therefore, it has been classified as a Variant of Uncertain Significance.